The following continues an entry in ClinVar:

NM_007294.4(BRCA1):c.1066C>T (p.Gln356Ter)

Gene: BRCA1. ClinVar aggregate classification (germline): Pathogenic. Pathogenic (1).

Submissions 10 to 19 of 19:

Women's Health and Genetics/Laboratory Corporation of America, LabCorp
Classification: Pathogenic for Hereditary breast and ovarian cancer syndrome. Last evaluated: 2019-05-14. Review status: criteria provided, single submitter. Criteria: LabCorp Variant Classification Summary - May 2015. Collection method: clinical testing. Allele origin: germline. Not counted in ClinVar's aggregate classification.
Comment: Variant summary: BRCA1 c.1066C>T (p.Gln356X) results in a premature termination codon, predicted to cause a truncation of the encoded protein or absence of the protein due to nonsense mediated decay, which are commonly known mechanisms for disease. The variant was absent in 251086 control chromosomes (gnomAD) but has been reported in the literature in multiple individuals affected with breast and ovarian cancer (e.g. Abulkhair _2018, Cotrim_2019, van der Hout_2006, Pajares_2018). These data indicate that the variant is very likely to be associated with disease. To our knowledge, no experimental evidence demonstrating an impact on protein function has been reported. Six ClinVar submissions from clinical diagnostic laboratories and an expert panel (ENIGMA)(evaluation after 2014) cites the variant as pathogenic. Based on the evidence outlined above, the variant was classified as pathogenic.

Genologica Medica
Classification: Pathogenic for Breast-ovarian cancer, familial, susceptibility to, 1. Last evaluated: 2017-01-01. Review status: criteria provided, single submitter. Criteria: ACMG Guidelines, 2015. Collection method: clinical testing. Allele origin: germline. Affected: yes. Not counted in ClinVar's aggregate classification.

Consortium of Investigators of Modifiers of BRCA1/2 (CIMBA), c/o University of Cambridge
Classification: Pathogenic for Breast-ovarian cancer, familial, susceptibility to, 1. Last evaluated: 2015-10-02. Review status: criteria provided, single submitter. Criteria: CIMBA Mutation Classification guidelines May 2016. Collection method: clinical testing. Allele origin: germline. Not counted in ClinVar's aggregate classification.

GeneDx
Classification: Pathogenic. Last evaluated: 2015-09-18. Review status: criteria provided, single submitter. Criteria: GeneDx Variant Classification (06012015). Collection method: clinical testing. Allele origin: germline. Affected: yes. Not counted in ClinVar's aggregate classification.
Comment: This pathogenic variant is denoted BRCA1 c.1066C>T at the cDNA level and p.Gln356Ter (Q356X) at the protein level. Using alternate nomenclature, this variant would also be defined as BRCA1 1185C>T. The substitution creates a nonsense variant, which changes a Glutamine to a premature stop codon (CAG>TAG), and is predicted to cause loss of normal protein function through either protein truncation or nonsense-mediated mRNA decay. This variant has been reported in at least four breast and/or ovarian cancer families (van der Hout 2006, Tang 1999) and is considered pathogenic.

KCCC/NGS Laboratory, Kuwait Cancer Control Center
Classification: Pathogenic for Breast-ovarian cancer, familial, susceptibility to, 1. Last evaluated: 2023-05-05. Review status: no assertion criteria provided. Collection method: clinical testing. Allele origin: germline. Affected: yes. Not counted in ClinVar's aggregate classification.
Comment: A pathogenic variant was detected in this sample . This variant changes 1 nucleotide in exon 10 of the BRCA1 gene, c.1066C>T (p.Gln356X) results in a premature termination codon, predicted to cause a truncation of the encoded protein or absence of the protein due to nonsense mediated decay, which are commonly known mechanisms for disease. his variant has not been identified in the general population by the Genome Aggregation Database (gnomAD). Also it has been reported in the literature in multiple individuals affected with breast and ovarian cancer (PMID: 30199306 , 30606148 , 29884136 ,16683254). These data indicate that the variant is very likely to be associated with disease. To our knowledge, no experimental evidence demonstrating an impact on protein function has been reported. Twelve ClinVar submissions from clinical diagnostic laboratories and an expert panel (ENIGMA)(evaluation after 2014) cites the variant as pathogenic. Based on the evidence outlined above, the variant was classified as pathogenic. This variant confirmed by Sanger sequencing .

BRCAlab, Lund University
Classification: Pathogenic for Breast-ovarian cancer, familial, susceptibility to, 1. Last evaluated: 2020-03-02. Review status: no assertion criteria provided. Collection method: clinical testing. Allele origin: germline. Affected: yes. Not counted in ClinVar's aggregate classification.

Bioscientia Institut fuer Medizinische Diagnostik GmbH, Sonic Healthcare
Classification: Pathogenic for Familial cancer of breast. Last evaluated: 2018-11-16. Review status: no assertion criteria provided. Collection method: clinical testing. Allele origin: germline. Affected: yes. Not counted in ClinVar's aggregate classification.

Breast Cancer Information Core (BIC) (BRCA1)
Classification: Pathogenic for Breast-ovarian cancer, familial 1. Last evaluated: 2007-10-05. Review status: no assertion criteria provided. Collection method: clinical testing. Allele origin: germline. Affected: yes. Observed: 2 variant alleles. Not counted in ClinVar's aggregate classification.

Clinical Genetics Laboratory, Department of Pathology, Netherlands Cancer Institute
Classification: Pathogenic. Review status: no assertion criteria provided. Collection method: clinical testing. Allele origin: germline. Affected: yes. Study: VKGL Data-share Consensus. Not counted in ClinVar's aggregate classification.

Diagnostic Laboratory, Department of Genetics, University Medical Center Groningen
Classification: Pathogenic. Review status: no assertion criteria provided. Collection method: clinical testing. Allele origin: germline. Affected: yes. Study: VKGL Data-share Consensus. Not counted in ClinVar's aggregate classification.

Literature cited by the submitters: PubMed 20104584 (cited by Labcorp Genetics (formerly Invitae), Labcorp and KCCC/NGS Laboratory, Kuwait Cancer Control Center); PubMed 16683254 (cited by 4 submitters); PubMed 30199306 (cited by 4 submitters); PubMed 30606148 (cited by 4 submitters); PubMed 10340909 (cited by Color Diagnostics, LLC DBA Color Health and Ambry Genetics); PubMed 29446198 (cited by Color Diagnostics, LLC DBA Color Health and Ambry Genetics); PubMed 30825404 (cited by Color Diagnostics, LLC DBA Color Health and Ambry Genetics); PubMed 30702160 (cited by Ambry Genetics); PubMed 29884136 (cited by Women's Health and Genetics/Laboratory Corporation of America, LabCorp).